The following is an entry in ClinVar:

NM_004655.4(AXIN2):c.1100C>A (p.Pro367His)

Gene: AXIN2 (axin 2; minus strand). Cytogenetic location: 17q24.1.
Variant type: single nucleotide variant.
Coding change: c.1100C>A on transcript NM_004655.4 (MANE Select); coding-DNA position 1100, C replaced by A.
Protein change: p.Pro367His; replaces proline 367 with histidine.
Molecular consequence: missense variant.
Genome position (GRCh38, 1-based): chr17:65,538,303, G>T on the plus strand (C>A on the coding strand, the complement: AXIN2 is on the minus strand). VCF-style: chr17-65538303-G-T. GRCh37 (hg19) VCF-style: chr17-63534421-G-T.
Other names: c.1100C>A (LRG_296t1); c.1100C>A, p.Pro367His (NM_001363813.1); short protein forms P367H.
Identifiers: ClinVar variation 574240 (VCV000574240.16), dbSNP rs1330131800, ClinGen allele CA400678479.
Genomic context (GRCh38, chr17:65,538,303, plus strand): 5'-CTCTCCAACTCCAGCTTCAGCTTTTCCAGCCTCGAGATCAGCTCAGCTGCAAAGGTGGCG[G>T]GTTCCACGGGGGTCATCTCCTTGGGCAGGCGGTGGGTTCTCTACAGGACGTGGAAAGGAA-3'
Protein context (NP_004646.3, residues 357-377): RLPKEMTPVE[Pro367His]ATFAAELISR

ClinVar aggregate classification (germline): Conflicting classifications of pathogenicity. Review status: criteria provided, conflicting classifications (1 of 4 stars). 2 submissions from 2 submitters: Uncertain significance (1); Likely benign (1). Last evaluated 2024-09-05.

Conditions:
Oligodontia-cancer predisposition syndrome. Also called: TOOTH AGENESIS-COLORECTAL CANCER SYNDROME. Identifiers: Orphanet 300576, MedGen C1837750, MONDO:0012075, OMIM 608615. Disease mechanism: loss of function.
Hereditary cancer-predisposing syndrome. Also called: Neoplastic Syndromes, Hereditary; Hereditary Cancer Syndrome; Tumor predisposition; Hereditary neoplastic syndrome. Identifiers: Orphanet 140162, MedGen C0027672, MeSH D009386, MONDO:0015356.

Allele frequency attached by ClinVar (database versions not stated): gnomAD 0.00001; gnomAD exomes 0.00001.
gnomAD v4.1: 7 of 1,614,092 alleles (0.00043%); highest among the groups gnomAD compares: Non-Finnish European, 0.00017%; no homozygotes.

Submissions (2):

Ambry Genetics
Classification: Likely benign for Hereditary cancer-predisposing syndrome. Last evaluated: 2024-09-05. Review status: criteria provided, single submitter. Criteria: Ambry Variant Classification Scheme 2023. Collection method: clinical testing. Allele origin: germline.

Labcorp Genetics (formerly Invitae), Labcorp
Classification: Uncertain significance for Oligodontia-cancer predisposition syndrome. Last evaluated: 2024-05-06. Review status: criteria provided, single submitter. Criteria: Invitae Variant Classification Sherloc (09022015). Collection method: clinical testing. Allele origin: germline.
Comment: This sequence change replaces proline, which is neutral and non-polar, with histidine, which is basic and polar, at codon 367 of the AXIN2 protein (p.Pro367His). This variant is present in population databases (no rsID available, gnomAD 0.01%). This variant has not been reported in the literature in individuals affected with AXIN2-related conditions. ClinVar contains an entry for this variant (Variation ID: 574240). Advanced modeling of protein sequence and biophysical properties (such as structural, functional, and spatial information, amino acid conservation, physicochemical variation, residue mobility, and thermodynamic stability) performed at Invitae indicates that this missense variant is expected to disrupt AXIN2 protein function with a positive predictive value of 80%. In summary, the available evidence is currently insufficient to determine the role of this variant in disease. Therefore, it has been classified as a Variant of Uncertain Significance.